The following is an entry in ClinVar:

NM_015631.6(TCTN3):c.878A>G (p.Gln293Arg)

Gene: TCTN3 (tectonic family member 3; minus strand). Cytogenetic location: 10q24.1.
Variant type: single nucleotide variant.
Coding change: c.878A>G on transcript NM_015631.6 (MANE Select); coding-DNA position 878, A replaced by G.
Protein change: p.Gln293Arg; replaces glutamine 293 with arginine.
Molecular consequence: missense variant.
Genome position (GRCh38, 1-based): chr10:95,686,505, T>C on the plus strand (A>G on the coding strand, the complement: TCTN3 is on the minus strand). VCF-style: chr10-95686505-T-C. GRCh37 (hg19) VCF-style: chr10-97446262-T-C.
Other names: c.641A>G, p.Gln214Arg (NM_001143973.2); short protein forms Q214R, Q293R.
Identifiers: ClinVar variation 1307106 (VCV001307106.9), dbSNP rs141231095, ClinGen allele CA5621034.

ClinVar aggregate classification (germline): Uncertain significance. Review status: criteria provided, multiple submitters, no conflicts (2 of 4 stars). 2 submissions from 2 submitters: Uncertain significance (2). Last evaluated 2024-11-18.

Conditions:
Joubert syndrome 18 (JBTS18). Identifiers: Orphanet 2754, MedGen C3553758, MONDO:0013896, OMIM 614815.
Orofacial-digital syndrome IV (OFD4). Also called: BARAITSER-BURN SYNDROME; MOHR-MAJEWSKI SYNDROME; OFD SYNDROME WITH TIBIAL DEFECTS; OFD SYNDROME, BARAITSER-BURN TYPE; OFDS IV; ORAL-FACIAL-DIGITAL SYNDROME, TYPE IV. Identifiers: Orphanet 2753, MedGen C0406727, MONDO:0009794, OMIM 258860.

Allele frequency attached by ClinVar (database versions not stated): gnomAD exomes 0.00001 and 0.00003; ExAC 0.00003; ESP Exome Variant Server 0.00008; gnomAD 0.00012; 1000 Genomes Project 30x 0.00016; TOPMed 0.00019; 1000 Genomes Project 0.00020.
gnomAD v4.1: 31 of 1,614,128 alleles (0.0019%); highest among the groups gnomAD compares: African/African-American, 0.04%; no homozygotes.

Submissions (2):

Labcorp Genetics (formerly Invitae), Labcorp
Classification: Uncertain significance for Joubert syndrome 18; Orofacial-digital syndrome IV. Last evaluated: 2024-11-18. Review status: criteria provided, single submitter. Criteria: Invitae Variant Classification Sherloc (09022015). Collection method: clinical testing. Allele origin: germline.
Comment: This sequence change replaces glutamine, which is neutral and polar, with arginine, which is basic and polar, at codon 293 of the TCTN3 protein (p.Gln293Arg). This variant is present in population databases (rs141231095, gnomAD 0.04%). This variant has not been reported in the literature in individuals affected with TCTN3-related conditions. ClinVar contains an entry for this variant (Variation ID: 1307106). Invitae Evidence Modeling of protein sequence and biophysical properties (such as structural, functional, and spatial information, amino acid conservation, physicochemical variation, residue mobility, and thermodynamic stability) has been performed for this missense variant. However, the output from this modeling did not meet the statistical confidence thresholds required to predict the impact of this variant on TCTN3 protein function. In summary, the available evidence is currently insufficient to determine the role of this variant in disease. Therefore, it has been classified as a Variant of Uncertain Significance.

GeneDx
Classification: Uncertain significance. Last evaluated: 2019-07-22. Review status: criteria provided, single submitter. Criteria: GeneDx Variant Classification Process June 2021. Collection method: clinical testing. Allele origin: germline. Affected: yes.
Comment: In silico analysis, which includes protein predictors and evolutionary conservation, supports that this variant does not alter protein structure/function; Has not been previously published as pathogenic or benign to our knowledge